The following is an entry in ClinVar:

ClinVar aggregate classification (germline): Uncertain significance (1 of 4 stars; one submission).

Conditions:
Hereditary cancer-predisposing syndrome. Also called: Tumor predisposition; Neoplastic Syndromes, Hereditary; Hereditary Cancer Syndrome; Hereditary neoplastic syndrome. Identifiers: Orphanet 140162, MedGen C0027672, MeSH D009386, MONDO:0015356.

Submission:

Ambry Genetics
Classification: Uncertain significance for Hereditary cancer-predisposing syndrome. Last evaluated: 2019-08-26. Review status: criteria provided, single submitter. Criteria: Ambry Variant Classification Scheme 2023. Collection method: clinical testing. Allele origin: germline.
Comment: The p.K1994R variant (also known as c.5981A>G), located in coding exon 39 of the ATM gene, results from an A to G substitution at nucleotide position 5981. The lysine at codon 1994 is replaced by arginine, an amino acid with highly similar properties. This amino acid position is not well conserved in available vertebrate species. In addition, this alteration is predicted to be tolerated by in silico analysis. Since supporting evidence is limited at this time, the clinical significance of this alteration remains unclear.

NM_000051.4(ATM):c.5981A>G (p.Lys1994Arg)

Genes: ATM (ATM serine/threonine kinase; plus strand), C11orf65 (chromosome 11 open reading frame 65; minus strand). Cytogenetic location: 11q22.3.
Variant type: single nucleotide variant.
Coding change: c.5981A>G on transcript NM_000051.4 (MANE Select); coding-DNA position 5981, A replaced by G.
Protein change: p.Lys1994Arg; replaces lysine 1994 with arginine.
Molecular consequence: missense variant. On other transcripts: intron variant (2).
Genome position (GRCh38, 1-based): chr11:108,312,473, A>G. VCF-style: chr11-108312473-A-G. GRCh37 (hg19) VCF-style: chr11-108183200-A-G.
Other names: c.5981A>G, p.Lys1994Arg (NM_001351834.2); c.641-3402T>C (NM_001330368.2); c.*39-3402T>C (NM_001351110.2); short protein forms K1994R.
Identifiers: ClinVar variation 826092 (VCV000826092.6), dbSNP rs1591758782, ClinGen allele CA382548760.